The following is an entry in ClinVar:

ClinVar aggregate classification (germline): Benign/Likely benign. Review status: criteria provided, multiple submitters, no conflicts (2 of 4 stars). 2 submissions from 2 submitters: Benign (1); Likely benign (1). Last evaluated 2024-08-22.

Conditions:
Familial cancer of breast. Also called: hereditary breast carcinoma; BREAST CANCER, FAMILIAL; Hereditary breast cancer. Identifiers: Orphanet 227535, MedGen C0346153, MONDO:0016419, OMIM 114480. Disease mechanism: loss of function.
Fanconi anemia complementation group J. Also called: BRIP1-Related Fanconi Anemia. Identifiers: Orphanet 84, MedGen C1836860, MONDO:0012187, OMIM 609054.

Submissions (2):

Myriad Genetics, Inc.
Classification: Benign for Familial cancer of breast. Last evaluated: 2024-08-22. Review status: criteria provided, single submitter. Criteria: Myriad Autosomal Dominant, Autosomal Recessive and X-Linked Classification Criteria (2023). Collection method: clinical testing. Allele origin: unknown.
Comment: This variant is considered benign. This variant is a silent/synonymous amino acid change and it is not expected to impact splicing.

Labcorp Genetics (formerly Invitae), Labcorp
Classification: Likely benign for Familial cancer of breast; Fanconi anemia complementation group J. Last evaluated: 2023-05-25. Review status: criteria provided, single submitter. Criteria: Invitae Variant Classification Sherloc (09022015). Collection method: clinical testing. Allele origin: germline.

NM_032043.3(BRIP1):c.885T>C (p.Asn295=)

Gene: BRIP1 (BRCA1 interacting DNA helicase 1; minus strand). Cytogenetic location: 17q23.2.
Variant type: single nucleotide variant.
Coding change: c.885T>C on transcript NM_032043.3 (MANE Select); coding-DNA position 885, T replaced by C.
Protein change: p.Asn295=; no amino-acid change (asparagine 295 retained).
Molecular consequence: synonymous variant.
Genome position (GRCh38, 1-based): chr17:61,808,500, A>G on the plus strand (T>C on the coding strand, the complement: BRIP1 is on the minus strand). VCF-style: chr17-61808500-A-G. GRCh37 (hg19) VCF-style: chr17-59885861-A-G.
Identifiers: ClinVar variation 1980763 (VCV001980763.5), dbSNP rs2545193122, ClinGen allele CA501335382.